The following is an entry in ClinVar:

NM_001032283.3(TMPO):c.565+2148G>A

Gene: TMPO (thymopoietin; plus strand). Cytogenetic location: 12q23.1.
Variant type: single nucleotide variant.
Coding change: c.565+2148G>A on transcript NM_001032283.3 (MANE Select); 2148 bases into the intron after coding-DNA position 565, G replaced by A.
Molecular consequence: intron variant. On other transcripts: missense variant (1).
Genome position (GRCh38, 1-based): chr12:98,533,986, G>A. VCF-style: chr12-98533986-G-A. GRCh37 (hg19) VCF-style: chr12-98927764-G-A.
Other names: c.1729G>A, p.Ala577Thr (NM_003276.2); c.565+2148G>A (NM_001307975.2, NM_001032284.3); short protein forms A577T.
Identifiers: ClinVar variation 3364321 (VCV003364321.1).
Genomic context (GRCh38, chr12:98,533,986, plus strand): 5'-TCCACTGAGTCTTGCAATCAGCAGTTGGACTTAGCACTCTGTAGAGCATATGAAGCTGCA[G>A]CATCAGCATTGCAGATTGCAACTCACACTGCCTTTGTAGCTAAGGCTATGCAGGCAGACA-3'

ClinVar aggregate classification (germline): Uncertain significance (1 of 4 stars; one submission).

gnomAD v4.1: 2 of 1,609,414 alleles (0.00012%); highest among the groups gnomAD compares: Non-Finnish European, 0.00017%; no homozygotes.

Submission:

GeneDx
Classification: Uncertain significance. Last evaluated: 2023-11-13. Review status: criteria provided, single submitter. Criteria: GeneDx Variant Classification Process June 2021. Collection method: clinical testing. Allele origin: germline. Affected: yes.
Comment: Not observed at significant frequency in large population cohorts (gnomAD); In silico analysis supports that this missense variant does not alter protein structure/function; Has not been previously published as pathogenic or benign to our knowledge